The following is an entry in ClinVar:

ClinVar aggregate classification (germline): Uncertain significance (1 of 4 stars; one submission).

Conditions:
Autosomal dominant centronuclear myopathy. Also called: Myopathy, centronuclear, 3; MYOTUBULAR MYOPATHY, AUTOSOMAL DOMINANT. Identifiers: Orphanet 169189, MedGen C4551952, MeSH D020914, MONDO:0008048, OMIM 160150.

gnomAD v4.1: 6 of 1,480,468 alleles (0.00041%); highest among the groups gnomAD compares: Non-Finnish European, 0.00054%; no homozygotes.

Submission:

Baylor Genetics
Classification: Uncertain significance for Autosomal dominant centronuclear myopathy. Last evaluated: 2018-09-28. Review status: criteria provided, single submitter. Criteria: ACMG Guidelines, 2015. Collection method: clinical testing. Allele origin: paternal. Affected: yes.
Comment: This variant was determined to be of uncertain significance according to ACMG Guidelines, 2015 [PMID:25741868].

NM_001005361.3(DNM2):c.4G>A (p.Gly2Ser)

Genes: DNM2 (dynamin 2; plus strand), LOC130063529 (ATAC-STARR-seq lymphoblastoid silent region 10090; plus strand). Cytogenetic location: 19p13.2.
Variant type: single nucleotide variant.
Coding change: c.4G>A on transcript NM_001005361.3 (MANE Select); coding-DNA position 4, G replaced by A.
Protein change: p.Gly2Ser; replaces glycine 2 with serine.
Molecular consequence: missense variant.
Genome position (GRCh38, 1-based): chr19:10,718,246, G>A. VCF-style: chr19-10718246-G-A. GRCh37 (hg19) VCF-style: chr19-10828922-G-A.
Other names: c.4G>A, p.Gly2Ser (NM_001005360.3, NM_001005362.3, NM_001190716.2 and 1 more transcripts); short protein forms G2S.
Identifiers: ClinVar variation 1032514 (VCV001032514.1), dbSNP rs2068817566, ClinGen allele CA404046335.